The following is an entry in ClinVar:

NM_004333.6(BRAF):c.27T>C (p.Gly9=)

Gene: BRAF (B-Raf proto-oncogene, serine/threonine kinase; minus strand). Cytogenetic location: 7q34.
Variant type: single nucleotide variant.
Coding change: c.27T>C on transcript NM_004333.6 (MANE Select); coding-DNA position 27, T replaced by C.
Protein change: p.Gly9=; no amino-acid change (glycine 9 retained).
Molecular consequence: synonymous variant.
Genome position (GRCh38, 1-based): chr7:140,924,677, A>G on the plus strand (T>C on the coding strand, the complement: BRAF is on the minus strand). VCF-style: chr7-140924677-A-G. GRCh37 (hg19) VCF-style: chr7-140624477-A-G.
Other names: c.27T>C, p.Gly9= (NM_001354609.2, NM_001374244.1, NM_001374258.1 and 7 more transcripts).
Identifiers: ClinVar variation 3037071 (VCV003037071.2), dbSNP rs2536968563, ClinGen allele CA458124891.
Genomic context (GRCh38, chr7:140,924,677, plus strand): 5'-GGCGCCGGCCTCGGGCTCCATGTCCCCGTTGAACAGAGCCTGGCCCGGCTCCGCGCCGCC[A>G]CCACCGCCACCGCTCAGCGCCGCCATCTTATAACCGAGAGCCGGGGCCCGAGCGGCCGCT-3'
Protein context (NP_004324.2, residues 1-19): MAALSGGG[Gly9=]GGAEPGQALF

ClinVar aggregate classification (germline): Likely benign (0 of 4 stars; one submission).

Conditions:
BRAF-related disorder. Also called: BRAF-related condition.

Submission:

PreventionGenetics, part of Exact Sciences
Classification: Likely benign for BRAF-related condition. Last evaluated: 2023-05-10. Review status: no assertion criteria provided. Collection method: clinical testing. Allele origin: germline.
Comment: This variant is classified as likely benign based on ACMG/AMP sequence variant interpretation guidelines (Richards et al. 2015 PMID: 25741868, with internal and published modifications).